The following is an entry in ClinVar:

ClinVar aggregate classification (germline): Uncertain significance. Review status: criteria provided, multiple submitters, no conflicts (2 of 4 stars). 2 submissions from 2 submitters: Uncertain significance (2). Last evaluated 2025-06-07.

Allele frequency attached by ClinVar (database versions not stated): ExAC 0.00003.

Submissions (2):

Ambry Genetics
Classification: Uncertain significance. Last evaluated: 2025-06-07. Review status: criteria provided, single submitter. Criteria: Ambry Variant Classification Scheme 2023. Collection method: clinical testing. Allele origin: germline.
Comment: The p.P388T variant (also known as c.1162C>A), located in coding exon 9 of the FAM175A gene, results from a C to A substitution at nucleotide position 1162. The proline at codon 388 is replaced by threonine, an amino acid with highly similar properties. This amino acid position is conserved. In addition, this alteration is predicted to be tolerated by in silico analysis. Since supporting evidence is limited at this time, the clinical significance of this alteration remains unclear.

Labcorp Genetics (formerly Invitae), Labcorp
Classification: Uncertain significance. Last evaluated: 2023-03-21. Review status: criteria provided, single submitter. Criteria: Invitae Variant Classification Sherloc (09022015). Collection method: clinical testing. Allele origin: germline.
Comment: This variant has not been reported in the literature in individuals affected with ABRAXAS1-related conditions. This variant is present in population databases (rs764951890, gnomAD 0.02%). This sequence change replaces proline, which is neutral and non-polar, with threonine, which is neutral and polar, at codon 388 of the ABRAXAS1 protein (p.Pro388Thr). ClinVar contains an entry for this variant (Variation ID: 1379618). In summary, the available evidence is currently insufficient to determine the role of this variant in disease. Therefore, it has been classified as a Variant of Uncertain Significance. Algorithms developed to predict the effect of missense changes on protein structure and function output the following: SIFT: "Not Available"; PolyPhen-2: "Benign"; Align-GVGD: "Not Available". The threonine amino acid residue is found in multiple mammalian species, which suggests that this missense change does not adversely affect protein function.

NM_139076.3(ABRAXAS1):c.1162C>A (p.Pro388Thr)

Gene: ABRAXAS1 (abraxas 1, BRCA1 A complex subunit; minus strand). Cytogenetic location: 4q21.23.
Variant type: single nucleotide variant.
Coding change: c.1162C>A on transcript NM_139076.3 (MANE Select); coding-DNA position 1162, C replaced by A.
Protein change: p.Pro388Thr; replaces proline 388 with threonine.
Molecular consequence: missense variant.
Genome position (GRCh38, 1-based): chr4:83,462,537, G>T on the plus strand (C>A on the coding strand, the complement: ABRAXAS1 is on the minus strand). VCF-style: chr4-83462537-G-T. GRCh37 (hg19) VCF-style: chr4-84383690-G-T.
Other names: c.835C>A, p.Pro279Thr (NM_001345962.2); short protein forms P279T, P388T.
Identifiers: ClinVar variation 1379618 (VCV001379618.9), dbSNP rs764951890, ClinGen allele CA2990363.